The following is an entry in ClinVar:

ClinVar aggregate classification (germline): Uncertain significance. Review status: criteria provided, multiple submitters, no conflicts (2 of 4 stars). 2 submissions from 2 submitters: Uncertain significance (2). Last evaluated 2025-10-29.

Allele frequency attached by ClinVar (database versions not stated): gnomAD exomes below 0.00001.
gnomAD v4.1: 2 of 1,609,498 alleles (0.00012%); highest among the groups gnomAD compares: Non-Finnish European, 0.00017%; no homozygotes.

Submissions (2):

Labcorp Genetics (formerly Invitae), Labcorp
Classification: Uncertain significance. Last evaluated: 2025-10-29. Review status: criteria provided, single submitter. Criteria: Invitae Variant Classification Sherloc (09022015). Collection method: clinical testing. Allele origin: germline.
Comment: This sequence change replaces asparagine, which is neutral and polar, with serine, which is neutral and polar, at codon 309 of the RECQL protein (p.Asn309Ser). This variant is present in population databases (no rsID available, gnomAD 0.0009%). This variant has not been reported in the literature in individuals affected with RECQL-related conditions. ClinVar contains an entry for this variant (Variation ID: 2190817). Invitae Evidence Modeling of protein sequence and biophysical properties (such as structural, functional, and spatial information, amino acid conservation, physicochemical variation, residue mobility, and thermodynamic stability) indicates that this missense variant is not expected to disrupt RECQL protein function with a negative predictive value of 80%. In summary, the available evidence is currently insufficient to determine the role of this variant in disease. Therefore, it has been classified as a Variant of Uncertain Significance.

Ambry Genetics
Classification: Uncertain significance. Last evaluated: 2024-02-26. Review status: criteria provided, single submitter. Criteria: Ambry Variant Classification Scheme 2023. Collection method: clinical testing. Allele origin: germline.
Comment: The p.N309S variant (also known as c.926A>G), located in coding exon 7 of the RECQL gene, results from an A to G substitution at nucleotide position 926. The asparagine at codon 309 is replaced by serine, an amino acid with highly similar properties. This amino acid position is conserved. In addition, this alteration is predicted to be tolerated by in silico analysis. Based on the available evidence, the clinical significance of this alteration remains unclear.

NM_002907.4(RECQL):c.926A>G (p.Asn309Ser)

Gene: RECQL (RecQ like helicase; minus strand). Cytogenetic location: 12p12.1.
Variant type: single nucleotide variant.
Coding change: c.926A>G on transcript NM_002907.4 (MANE Select); coding-DNA position 926, A replaced by G.
Protein change: p.Asn309Ser; replaces asparagine 309 with serine.
Molecular consequence: missense variant.
Genome position (GRCh38, 1-based): chr12:21,476,934, T>C on the plus strand (A>G on the coding strand, the complement: RECQL is on the minus strand). VCF-style: chr12-21476934-T-C. GRCh37 (hg19) VCF-style: chr12-21629868-T-C.
Other names: c.926A>G, p.Asn309Ser (NM_032941.3); c.926A>G (NM_002907.3); short protein forms N309S.
Identifiers: ClinVar variation 2190817 (VCV002190817.5), dbSNP rs1472352564, ClinGen allele CA384122922.